The following is an entry in ClinVar:

NM_000096.4(CP):c.13A>G (p.Ile5Val)

Gene: CP (ceruloplasmin; minus strand). Cytogenetic location: 3q25.1.
Variant type: single nucleotide variant.
Coding change: c.13A>G on transcript NM_000096.4 (MANE Select); coding-DNA position 13, A replaced by G.
Protein change: p.Ile5Val; replaces isoleucine 5 with valine.
Molecular consequence: missense variant. On other transcripts: non-coding transcript variant (1).
Genome position (GRCh38, 1-based): chr3:149,221,780, T>C on the plus strand (A>G on the coding strand, the complement: CP is on the minus strand). VCF-style: chr3-149221780-T-C. GRCh37 (hg19) VCF-style: chr3-148939567-T-C.
Other names: c.13A>G (NM_000096.3); short protein forms I5V.
Identifiers: ClinVar variation 1431425 (VCV001431425.6), dbSNP rs766078094, ClinGen allele CA2661414.
Genomic context (GRCh38, chr3:149,221,780, plus strand): 5'-AATAATGCTTTTCTTTCGCCCAGGCTGGGGTACTACATAAAAACAGAAAAATACCAAGTA[T>C]CAAAATCTTCATTTTTTTCCCCTTCTTGGAGCCTGAGAAGAAATGAAGTAAAATCAGGAG-3'
Protein context (NP_000087.2, residues 1-15): MKIL[Ile5Val]LGIFLFLCST

ClinVar aggregate classification (germline): Uncertain significance. Review status: criteria provided, multiple submitters, no conflicts (2 of 4 stars). 2 submissions from 2 submitters: Uncertain significance (2). Last evaluated 2024-11-13.

Conditions:
Inborn genetic diseases. Identifiers: MedGen C0950123, MeSH D030342.
Deficiency of ferroxidase (ACEP). Also called: NEURODEGENERATION WITH BRAIN IRON ACCUMULATION 10; Aceruloplasminemia; Deficiency of ceruloplasmin; Ceruloplasmin deficiency; Familial apoceruloplasmin deficiency; Hereditary ceruloplasmin deficiency. Identifiers: Orphanet 48818, MedGen C0878682, MONDO:0011426, OMIM 604290, HP:0025498.

Allele frequency attached by ClinVar (database versions not stated): gnomAD 0.00001; gnomAD exomes 0.00001 and 0.00003; ExAC 0.00002; TOPMed 0.00002.
gnomAD v4.1: 21 of 1,613,624 alleles (0.0013%); highest among the groups gnomAD compares: Admixed American, 0.01%; no homozygotes.

Submissions (2):

Labcorp Genetics (formerly Invitae), Labcorp
Classification: Uncertain significance for Deficiency of ferroxidase. Last evaluated: 2024-11-13. Review status: criteria provided, single submitter. Criteria: Invitae Variant Classification Sherloc (09022015). Collection method: clinical testing. Allele origin: germline.
Comment: This sequence change replaces isoleucine, which is neutral and non-polar, with valine, which is neutral and non-polar, at codon 5 of the CP protein (p.Ile5Val). This variant is present in population databases (rs766078094, gnomAD 0.01%). This variant has not been reported in the literature in individuals affected with CP-related conditions. ClinVar contains an entry for this variant (Variation ID: 1431425). An algorithm developed to predict the effect of missense changes on protein structure and function outputs the following: PolyPhen-2: "Benign". The valine amino acid residue is found in multiple mammalian species, which suggests that this missense change does not adversely affect protein function. Algorithms developed to predict the effect of sequence changes on RNA splicing suggest that this variant may create or strengthen a splice site. In summary, the available evidence is currently insufficient to determine the role of this variant in disease. Therefore, it has been classified as a Variant of Uncertain Significance.

Ambry Genetics
Classification: Uncertain significance for Inborn genetic diseases. Last evaluated: 2024-09-10. Review status: criteria provided, single submitter. Criteria: Ambry Variant Classification Scheme 2023. Collection method: clinical testing. Allele origin: germline.